The following is an entry in ClinVar:

ClinVar aggregate classification (germline): Pathogenic/Likely pathogenic. Review status: criteria provided, multiple submitters, no conflicts (2 of 4 stars). 3 submissions from 3 submitters: Pathogenic (1); Likely pathogenic (2). Last evaluated 2025-09-03.

Conditions:
VPS13B-related disorder. Also called: VPS13B-related condition.
Cohen syndrome (COH1). Also called: Cutis verticis gyrata, retinitis pigmentosa, and sensorineural deafness; PEPPER SYNDROME. Identifiers: Orphanet 193, MedGen C0265223, MONDO:0008999, OMIM 216550.

Submissions (3):

PreventionGenetics, part of Exact Sciences
Classification: Likely pathogenic for VPS13B-related condition. Last evaluated: 2025-09-03. Review status: criteria provided, single submitter. Criteria: ACMG Guidelines, 2015. Collection method: clinical testing. Allele origin: germline.
Comment: The VPS13B c.6140dupA variant is predicted to result in a frameshift and premature protein termination (p.Asn2047Lysfs*8). To our knowledge, this variant has not been reported in the literature or in a large population database (gnomAD), indicating this variant is rare. Frameshift variants in VPS13B are expected to be pathogenic. In ClinVar, this variant is interpreted as pathogenic. This variant is interpreted as likely pathogenic.

Fulgent Genetics
Classification: Likely pathogenic for Cohen syndrome. Last evaluated: 2024-05-07. Review status: criteria provided, single submitter. Criteria: ACMG Guidelines, 2015. Collection method: clinical testing. Allele origin: germline.

Labcorp Genetics (formerly Invitae), Labcorp
Classification: Pathogenic for Cohen syndrome. Last evaluated: 2023-06-07. Review status: criteria provided, single submitter. Criteria: Invitae Variant Classification Sherloc (09022015). Collection method: clinical testing. Allele origin: germline.
Comment: This sequence change creates a premature translational stop signal (p.Asn2072Lysfs*8) in the VPS13B gene. It is expected to result in an absent or disrupted protein product. Loss-of-function variants in VPS13B are known to be pathogenic (PMID: 15141358, 16648375, 20461111). This variant is not present in population databases (gnomAD no frequency). This variant has not been reported in the literature in individuals affected with VPS13B-related conditions. ClinVar contains an entry for this variant (Variation ID: 1076736). For these reasons, this variant has been classified as Pathogenic.

Literature cited by the submitters: PubMed 15141358 (cited by Labcorp Genetics (formerly Invitae), Labcorp); PubMed 16648375 (cited by Labcorp Genetics (formerly Invitae), Labcorp); PubMed 20461111 (cited by Labcorp Genetics (formerly Invitae), Labcorp).

NM_152564.5(VPS13B):c.6140dup (p.Asn2047fs)

Gene: VPS13B (vacuolar protein sorting 13 homolog B; plus strand). Cytogenetic location: 8q22.2.
Variant type: Duplication.
Coding change: c.6140dup on transcript NM_152564.5 (MANE Select); coding-DNA position 6140, one base duplicated (A; older notation c.6140dupA).
Protein change: p.Asn2047fs; shifts the reading frame from asparagine 2047.
Molecular consequence: frameshift variant.
Genome position (GRCh38, 1-based): chr8:99,699,618, A duplicated; the last of 6 consecutive A bases (chr8:99,699,613-99,699,618); duplicating any one gives the same sequence. VCF-style (leftmost placement, unchanged base first): chr8-99699612-T-TA. GRCh37 (hg19) VCF-style: chr8-100711840-T-TA.
Other names: c.6215dup, p.Asn2072fs (NM_017890.5); c.6215dup (NM_017890.4); c.6140dupA (NM_152564.4); short protein forms N2047fs, N2072fs.
Identifiers: ClinVar variation 1076736 (VCV001076736.9), dbSNP rs2130179734, ClinGen allele CA645547215.